The following is an entry in ClinVar:

ClinVar aggregate classification (germline): Uncertain significance (1 of 4 stars; one submission).

gnomAD v4.1: 4 of 1,008,376 alleles (0.0004%); highest among the groups gnomAD compares: Non-Finnish European, 0.00035%; no homozygotes.

Submission:

GeneDx
Classification: Uncertain significance. Last evaluated: 2022-08-14. Review status: criteria provided, single submitter. Criteria: GeneDx Variant Classification Process June 2021. Collection method: clinical testing. Allele origin: germline. Affected: yes.
Comment: Not observed at significant frequency in large population cohorts (gnomAD); In silico analysis supports that this missense variant has a deleterious effect on protein structure/function; Has not been previously published as pathogenic or benign to our knowledge

NM_003070.5(SMARCA2):c.815C>T (p.Pro272Leu)

Gene: SMARCA2 (SWI/SNF related BAF chromatin remodeling complex subunit ATPase 2; plus strand). Cytogenetic location: 9p24.3.
Variant type: single nucleotide variant.
Coding change: c.815C>T on transcript NM_003070.5 (MANE Select); coding-DNA position 815, C replaced by T.
Protein change: p.Pro272Leu; replaces proline 272 with leucine.
Molecular consequence: missense variant.
Genome position (GRCh38, 1-based): chr9:2,047,253, C>T. VCF-style: chr9-2047253-C-T. GRCh37 (hg19) VCF-style: chr9-2047253-C-T.
Other names: c.815C>T, p.Pro272Leu (NM_001289396.2, NM_001289397.2, NM_139045.4); short protein forms P272L.
Identifiers: ClinVar variation 2430560 (VCV002430560.1), dbSNP rs1819896620, ClinGen allele CA372780741.
Genomic context (GRCh38, chr9:2,047,253, plus strand): 5'-CCCGCCCGAGCTGCCCATGTCGCTCTTGTCCCGCAGGCCCGGGGCCGGAGCTGAGCGGCC[C>T]GAGCACCCCGCAGAAGCTGCCGGTGCCCGCGCCCGGCGGCCGGCCCTCGCCCGCGCCCCC-3'
Protein context (NP_003061.3, residues 262-282): PSGPGPELSG[Pro272Leu]STPQKLPVPA